The following is an entry in ClinVar:

NM_000096.4(CP):c.2527_2528del (p.Ser843fs)

Gene: CP (ceruloplasmin; minus strand). Cytogenetic location: 3q24.
Variant type: Microsatellite.
Coding change: c.2527_2528del on transcript NM_000096.4 (MANE Select); coding-DNA positions 2527 to 2528, 2 bases deleted (AG; older notation c.2527_2528delAG).
Protein change: p.Ser843fs; shifts the reading frame from serine 843.
Molecular consequence: frameshift variant. On other transcripts: non-coding transcript variant (1).
Genome position (GRCh38, 1-based): chr3:149,182,031-149,182,032, CT deleted on the plus strand (AG on the coding strand, the reverse complement: CP is on the minus strand); deleting any 2 consecutive bases within chr3:149,182,031-149,182,036 gives the same sequence; the c. name uses the placement nearest the transcript's 3' end. VCF-style (leftmost placement, unchanged base first): chr3-149182030-ACT-A. GRCh37 (hg19) VCF-style: chr3-148899817-ACT-A.
Other names: short protein forms S843fs.
Identifiers: ClinVar variation 871317 (VCV000871317.42), dbSNP rs1725821400, ClinGen allele CA1139658305.
Genomic context (GRCh38, chr3:149,182,030, plus strand): 5'-AAATGCACCACCCCCACCCCCGCCCCCGTGAGTACCTGGTAATGTTGGAGTAACTGTAGA[ACT>A]CTCTGTTTGTACCCCATGGGCATGTATTGAGTAGGGCCTTGTGGCCATGTTTTTAAAGAT-3'

ClinVar aggregate classification (germline): Pathogenic. Review status: criteria provided, multiple submitters, no conflicts (2 of 4 stars). 2 submissions from 2 submitters: Pathogenic (2). Last evaluated 2025-08-06.

Conditions:
Deficiency of ferroxidase (ACEP). Also called: Deficiency of ceruloplasmin; Aceruloplasminemia; Ceruloplasmin deficiency; Familial apoceruloplasmin deficiency; Hereditary ceruloplasmin deficiency; NEURODEGENERATION WITH BRAIN IRON ACCUMULATION 10. Identifiers: Orphanet 48818, MedGen C0878682, MONDO:0011426, OMIM 604290, HP:0025498.

Submissions (2):

Labcorp Genetics (formerly Invitae), Labcorp
Classification: Pathogenic for Deficiency of ferroxidase. Last evaluated: 2025-08-06. Review status: criteria provided, single submitter. Criteria: Invitae Variant Classification Sherloc (09022015). Collection method: clinical testing. Allele origin: germline.
Comment: This sequence change creates a premature translational stop signal (p.Ser843Phefs*10) in the CP gene. It is expected to result in an absent or disrupted protein product. Loss-of-function variants in CP are known to be pathogenic (PMID: 16629161). This variant is not present in population databases (gnomAD no frequency). This variant has not been reported in the literature in individuals affected with CP-related conditions. For these reasons, this variant has been classified as Pathogenic.

CeGaT Center for Human Genetics Tuebingen
Classification: Pathogenic. Last evaluated: 2016-08-01. Review status: criteria provided, single submitter. Criteria: CeGaT Center For Human Genetics Tuebingen Variant Classification Criteria Version 2. Collection method: clinical testing. Allele origin: germline. Affected: yes. Observed: 1 variant allele.

Literature cited by the submitters: PubMed 16629161 (cited by Labcorp Genetics (formerly Invitae), Labcorp).